The following is an entry in ClinVar:

NM_000368.5(TSC1):c.519G>A (p.Ala173=)

Gene: TSC1 (TSC complex subunit 1; minus strand). Cytogenetic location: 9q34.13.
Variant type: single nucleotide variant.
Coding change: c.519G>A on transcript NM_000368.5 (MANE Select); coding-DNA position 519, G replaced by A.
Protein change: p.Ala173=; no amino-acid change (alanine 173 retained).
Molecular consequence: synonymous variant.
Genome position (GRCh38, 1-based): chr9:132,921,963, C>T on the plus strand (G>A on the coding strand, the complement: TSC1 is on the minus strand). VCF-style: chr9-132921963-C-T. GRCh37 (hg19) VCF-style: chr9-135797350-C-T.
Other names: c.519G>A, p.Ala173= (NM_001162426.2); c.366G>A, p.Ala122= (NM_001162427.2); c.156G>A, p.Ala52= (NM_001362177.2).
Identifiers: ClinVar variation 416678 (VCV000416678.28), dbSNP rs768999400, ClinGen allele CA037966.

ClinVar aggregate classification (germline): Conflicting classifications of pathogenicity. Review status: criteria provided, conflicting classifications (1 of 4 stars). 11 submissions from 10 submitters: Uncertain significance (2); Benign (4); Likely benign (5). Last evaluated 2026-06-15.

Conditions:
Hereditary cancer-predisposing syndrome. Also called: Neoplastic Syndromes, Hereditary; Hereditary Cancer Syndrome; Tumor predisposition; Hereditary neoplastic syndrome. Identifiers: Orphanet 140162, MedGen C0027672, MeSH D009386, MONDO:0015356.
Tuberous sclerosis 1 (TSC1). Identifiers: Orphanet 805, MedGen C1854465, MONDO:0008612, OMIM 191100.
Tuberous sclerosis syndrome (TSC). Also called: Tuberous sclerosis; Tuberous Sclerosis Complex. Identifiers: Orphanet 805, MedGen C0041341, MONDO:0001734.
Isolated focal cortical dysplasia type II (FCORD2). Also called: Focal cortical dysplasia type II; CORTICAL DYSPLASIA OF TAYLOR. Identifiers: Orphanet 268994, MedGen C1846385, MONDO:0011818, OMIM 607341, HP:0032051.
TSC1-related disorder. Also called: TSC1-related condition.

Allele frequency attached by ClinVar (database versions not stated): gnomAD 0.00001; TOPMed 0.00001; ExAC 0.00007.
gnomAD v4.1: 18 of 1,613,930 alleles (0.0011%); highest among the groups gnomAD compares: East Asian, 0.0067%; no homozygotes.

Submissions (11):

Ambry Genetics
Classification: Likely benign for Hereditary cancer-predisposing syndrome. Last evaluated: 2026-06-15. Review status: criteria provided, single submitter. Criteria: Ambry Variant Classification Scheme 2023. Collection method: clinical testing. Allele origin: germline.

PreventionGenetics, part of Exact Sciences
Classification: Likely benign for TSC1-related condition. Last evaluated: 2026-04-21. Review status: criteria provided, single submitter. Criteria: ACMG Guidelines, 2015. Collection method: clinical testing. Allele origin: germline.
Comment: This variant is classified as likely benign based on ACMG/AMP sequence variant interpretation guidelines (Richards et al. 2015 PMID: 25741868, with internal and published modifications).

Labcorp Genetics (formerly Invitae), Labcorp
Classification: Benign for Tuberous sclerosis 1. Last evaluated: 2025-10-09. Review status: criteria provided, single submitter. Criteria: Invitae Variant Classification Sherloc (09022015). Collection method: clinical testing. Allele origin: germline.

Women's Health and Genetics/Laboratory Corporation of America, LabCorp
Classification: Benign. Last evaluated: 2025-07-21. Review status: criteria provided, single submitter. Criteria: LabCorp Variant Classification Summary - May 2015. Collection method: clinical testing. Allele origin: germline.

Myriad Genetics, Inc.
Classification: Benign for Tuberous sclerosis 1. Last evaluated: 2025-04-08. Review status: criteria provided, single submitter. Criteria: Myriad Autosomal Dominant, Autosomal Recessive and X-Linked Classification Criteria (2023). Collection method: clinical testing. Allele origin: unknown.
Comment: This variant is considered benign. This variant is a silent/synonymous amino acid change and it is not expected to impact splicing.

Blueprint Genetics
Classification: Likely benign. Last evaluated: 2024-01-05. Review status: criteria provided, single submitter. Criteria: ACMG Guidelines, 2015. Collection method: clinical testing. Allele origin: germline.

All of Us Research Program, National Institutes of Health
Classification: Benign for Tuberous sclerosis syndrome. Last evaluated: 2023-10-23. Review status: criteria provided, single submitter. Criteria: ACMG Guidelines, 2015. Collection method: clinical testing. Allele origin: germline. Inheritance: Autosomal dominant inheritance. Observed: 3 variant alleles, 3 heterozygotes.
Comment: This study involves interpretation of variants in research participants for the purpose of population health screening. Participant phenotype was not available at the time of variant classification. Additional details can be found in publication PMID: 35346344, PMCID: PMC8962531

Genome-Nilou Lab
Classification: Likely benign for Tuberous sclerosis 1. Last evaluated: 2021-11-07. Review status: criteria provided, single submitter. Criteria: ACMG Guidelines, 2015. Collection method: clinical testing. Allele origin: germline. Affected: no.

GeneDx
Classification: Likely benign. Last evaluated: 2017-12-14. Review status: criteria provided, single submitter. Criteria: GeneDx Variant Classification (06012015). Collection method: clinical testing. Allele origin: germline. Affected: yes.
Comment: This variant is considered likely benign or benign based on one or more of the following criteria: it is a conservative change, it occurs at a poorly conserved position in the protein, it is predicted to be benign by multiple in silico algorithms, and/or has population frequency not consistent with disease.

Illumina Laboratory Services, Illumina
Classification: Uncertain significance for Tuberous sclerosis 1. Last evaluated: 2017-04-27. Review status: criteria provided, single submitter. Criteria: ICSL Variant Classification Criteria 13 December 2019. Collection method: clinical testing. Allele origin: germline.

Illumina Laboratory Services, Illumina
Classification: Uncertain significance for Isolated focal cortical dysplasia type II. Last evaluated: 2017-04-27. Review status: criteria provided, single submitter. Criteria: ICSL Variant Classification Criteria 13 December 2019. Collection method: clinical testing. Allele origin: germline.